The following is an entry in ClinVar:

NM_007118.4(TRIO):c.6455A>G (p.Gln2152Arg)

Gene: TRIO (trio Rho guanine nucleotide exchange factor; plus strand). Cytogenetic location: 5p15.2.
Variant type: single nucleotide variant.
Coding change: c.6455A>G on transcript NM_007118.4 (MANE Select); coding-DNA position 6455, A replaced by G.
Protein change: p.Gln2152Arg; replaces glutamine 2152 with arginine.
Molecular consequence: missense variant. On other transcripts: non-coding transcript variant (1).
Genome position (GRCh38, 1-based): chr5:14,481,608, A>G. VCF-style: chr5-14481608-A-G. GRCh37 (hg19) VCF-style: chr5-14481717-A-G.
Other names: short protein forms Q2152R.
Identifiers: ClinVar variation 3903394 (VCV003903394.1).

ClinVar aggregate classification (germline): Uncertain significance (1 of 4 stars; one submission).

gnomAD v4.1: 1 of 1,614,036 alleles (0.000062%); highest among the groups gnomAD compares: Admixed American, 0.0017%; no homozygotes.

Submission:

GeneDx
Classification: Uncertain significance. Last evaluated: 2024-12-13. Review status: criteria provided, single submitter. Criteria: GeneDx Variant Classification Process June 2021. Collection method: clinical testing. Allele origin: germline. Affected: yes.
Comment: Not observed at significant frequency in large population cohorts (gnomAD); In silico analysis supports that this missense variant has a deleterious effect on protein structure/function; Has not been previously published as pathogenic or benign to our knowledge